The following is an entry in ClinVar:

ClinVar aggregate classification (germline): Likely pathogenic (1 of 4 stars; one submission).

Conditions:
Complex neurodevelopmental disorder. Identifiers: Orphanet 528084, MedGen C5568766, MONDO:0100038.
DYRK1A-related intellectual disability syndrome (MRD7). Also called: DYRK1A Syndrome; Intellectual developmental disorder, autosomal dominant 7. Identifiers: Orphanet 464306, MedGen C5568143, MONDO:0013578, OMIM 614104.

Submission:

Genetic Services Laboratory, University of Chicago
Classification: Likely pathogenic for Mental retardation, autosomal dominant 7. Last evaluated: 2016-10-13. Review status: criteria provided, single submitter. Criteria: ACMG Guidelines, 2015. Collection method: clinical testing. Allele origin: germline. Affected: yes.

NM_001347721.2(DYRK1A):c.1378del (p.Gln460fs)

Gene: DYRK1A (dual specificity tyrosine phosphorylation regulated kinase 1A; plus strand). Cytogenetic location: 21q22.13.
Variant type: Deletion.
Coding change: c.1378del on transcript NM_001347721.2 (MANE Select); coding-DNA position 1378, one base deleted (C; older notation c.1378delC).
Protein change: p.Gln460fs; shifts the reading frame from glutamine 460.
Molecular consequence: frameshift variant.
Genome position (GRCh38, 1-based): chr21:37,505,448, C deleted. VCF-style (leftmost placement, unchanged base first): chr21-37505447-TC-T. GRCh37 (hg19) VCF-style: chr21-38877750-TC-T.
Other names: c.1378del, p.Gln460fs (NM_001347722.2, NM_130436.2); c.1291del, p.Gln431fs (NM_001347723.2); c.1405del, p.Gln469fs (NM_001396.5, NM_101395.2, NM_130438.2); short protein forms Q431fs, Q460fs, Q469fs.
Identifiers: ClinVar variation 435013 (VCV000435013.8), dbSNP rs1555990958, ClinGen allele CA645373286.